The following is an entry in ClinVar:

ClinVar aggregate classification (germline): Likely benign (0 of 4 stars; one submission).

Conditions:
SEMA3B-related disorder. Also called: SEMA3B-related condition.

gnomAD v4.1: 1 of 1,584,728 alleles (0.000063%); highest among the groups gnomAD compares: Non-Finnish European, 0.000086%; no homozygotes.

Submission:

PreventionGenetics, part of Exact Sciences
Classification: Likely benign for SEMA3B-related condition. Last evaluated: 2023-01-20. Review status: no assertion criteria provided. Collection method: clinical testing. Allele origin: germline.
Comment: This variant is classified as likely benign based on ACMG/AMP sequence variant interpretation guidelines (Richards et al. 2015 PMID: 25741868, with internal and published modifications).

NM_001290060.2(SEMA3B):c.564G>A (p.Gly188=)

Gene: SEMA3B (semaphorin 3B; plus strand). Cytogenetic location: 3p21.31.
Variant type: single nucleotide variant.
Coding change: c.564G>A on transcript NM_001290060.2 (MANE Select); coding-DNA position 564, G replaced by A.
Protein change: p.Gly188=; no amino-acid change (glycine 188 retained).
Molecular consequence: synonymous variant.
Genome position (GRCh38, 1-based): chr3:50,271,380, G>A. VCF-style: chr3-50271380-G-A. GRCh37 (hg19) VCF-style: chr3-50308811-G-A.
Other names: c.564G>A, p.Gly188= (NM_001005914.3, NM_001290061.1, NM_004636.4).
Identifiers: ClinVar variation 3356309 (VCV003356309.1).